The following is an entry in ClinVar:

NM_002855.5(NECTIN1):c.*2481A>G

Gene: NECTIN1 (nectin cell adhesion molecule 1; minus strand). Cytogenetic location: 11q23.3.
Variant type: single nucleotide variant.
Coding change: c.*2481A>G on transcript NM_002855.5 (MANE Select); 2481 bases downstream of the stop codon, A replaced by G.
Molecular consequence: 3 prime UTR variant. On other transcripts: intron variant (1).
Genome position (GRCh38, 1-based): chr11:119,662,266, T>C on the plus strand (A>G on the coding strand, the complement: NECTIN1 is on the minus strand). VCF-style: chr11-119662266-T-C. GRCh37 (hg19) VCF-style: chr11-119532976-T-C.
Other names: c.1003+12893A>G (NM_203285.2).
Identifiers: ClinVar variation 878334 (VCV000878334.5), dbSNP rs3751021, ClinGen allele CA229719623.

ClinVar aggregate classification (germline): Likely benign (1 of 4 stars; one submission).

Conditions:
Cleft lip/palate-ectodermal dysplasia syndrome (CLPED1). Also called: Zlotogora syndrome; ECTODERMAL DYSPLASIA, CLEFT LIP AND PALATE, MENTAL RETARDATION, AND SYNDACTYLY; ECTODERMAL DYSPLASIA, MARGARITA ISLAND TYPE; ECTODERMAL DYSPLASIA, TYPE 4; ZLOTOGORA-OGUR SYNDROME. Identifiers: Orphanet 3253, MedGen C2931488, MONDO:0009151, OMIM 225060.

Allele frequency attached by ClinVar (database versions not stated): gnomAD exomes 0.00088; gnomAD 0.00777 and 0.00828; TOPMed 0.00941; 1000 Genomes Project 0.02256; 1000 Genomes Project 30x 0.02280.
gnomAD v4.1: 2,102 of 985,612 alleles (0.21%); highest among the groups gnomAD compares: East Asian, 5.5%; 34 homozygotes.

Submission:

Illumina Laboratory Services, Illumina
Classification: Likely benign for Cleft lip/palate-ectodermal dysplasia syndrome. Last evaluated: 2018-01-13. Review status: criteria provided, single submitter. Criteria: ICSL Variant Classification Criteria 13 December 2019. Collection method: clinical testing. Allele origin: germline.
Comment: This variant was observed in the ICSL laboratory as part of a predisposition screen in an ostensibly healthy population. It had not been previously curated by ICSL or reported in the Human Gene Mutation Database (HGMD: prior to June 1st, 2018), and was therefore a candidate for classification through an automated scoring system. Utilizing variant allele frequency, disease prevalence and penetrance estimates, and inheritance mode, an automated score was calculated to assess if this variant is too frequent to cause the disease. Based on the score and internal cut-off values, a variant classified as likely benign is not then subjected to further curation. The score for this variant resulted in a classification of likely benign for this disease.